The following is an entry in ClinVar:

ClinVar aggregate classification (germline): Uncertain significance (1 of 4 stars; one submission).

Submission:

GeneDx
Classification: Uncertain significance. Last evaluated: 2024-04-19. Review status: criteria provided, single submitter. Criteria: GeneDx Variant Classification Process June 2021. Collection method: clinical testing. Allele origin: germline. Affected: yes.
Comment: Not observed at significant frequency in large population cohorts (gnomAD); In silico analysis supports that this missense variant has a deleterious effect on protein structure/function; Has not been previously published as pathogenic or benign to our knowledge

NM_001348323.3(TRIP12):c.3379A>G (p.Arg1127Gly)

Gene: TRIP12 (thyroid hormone receptor interactor 12; minus strand). Cytogenetic location: 2q36.3.
Variant type: single nucleotide variant.
Coding change: c.3379A>G on transcript NM_001348323.3 (MANE Select); coding-DNA position 3379, A replaced by G.
Protein change: p.Arg1127Gly; replaces arginine 1127 with glycine.
Molecular consequence: missense variant.
Genome position (GRCh38, 1-based): chr2:229,798,978, T>C on the plus strand (A>G on the coding strand, the complement: TRIP12 is on the minus strand). VCF-style: chr2-229798978-T-C. GRCh37 (hg19) VCF-style: chr2-230663694-T-C.
Other names: c.3253A>G, p.Arg1085Gly (NM_001348316.2, NM_001348317.1, NM_001284215.2 and 1 more transcripts); c.3298A>G, p.Arg1100Gly (NM_001284214.2, NM_001348315.2); c.2344A>G, p.Arg782Gly (NM_001284216.2); c.3379A>G, p.Arg1127Gly (NM_001348319.1, NM_001348320.2, NM_001348322.1 and 4 more transcripts); c.3382A>G, p.Arg1128Gly (NM_001348321.1, NM_001348328.1, NM_001348329.2 and 1 more transcripts); c.3172A>G, p.Arg1058Gly (NM_001348331.1); c.3292A>G, p.Arg1098Gly (NM_001348332.1); c.3301A>G, p.Arg1101Gly (NM_001348333.1); and 1 more; short protein forms R1052G, R1058G, R1085G, R1098G, R1100G, R1101G, R1127G, R1128G.
Identifiers: ClinVar variation 3372178 (VCV003372178.1).